The following is an entry in ClinVar:

NM_004817.4(TJP2):c.2880+19C>T

Gene: TJP2 (tight junction protein 2; plus strand). Cytogenetic location: 9q21.11.
Variant type: single nucleotide variant.
Coding change: c.2880+19C>T on transcript NM_004817.4 (MANE Select); 19 bases into the intron after coding-DNA position 2880, C replaced by T.
Molecular consequence: intron variant.
Genome position (GRCh38, 1-based): chr9:69,248,243, C>T. VCF-style: chr9-69248243-C-T. GRCh37 (hg19) VCF-style: chr9-71863159-C-T.
Other names: p.?; c.2811+19C>T (NM_001170414.2, NM_001369871.1); c.2805+19C>T (NM_001369870.1); c.2880+19C>T (NM_201629.3, NM_001369872.1); c.2667+1453C>T (NM_001369873.1); c.2892+19C>T (NM_001170415.1, NM_001369875.1, NM_001369874.1); c.2973+19C>T (NM_001170416.2).
Identifiers: ClinVar variation 165422 (VCV000165422.18), dbSNP rs200384355, ClinGen allele CA178192.

ClinVar aggregate classification (germline): Conflicting classifications of pathogenicity. Review status: criteria provided, conflicting classifications (1 of 4 stars). 5 submissions from 5 submitters: Uncertain significance (1); Benign (1); Likely benign (3). Last evaluated 2025-11-25.

Allele frequency attached by ClinVar (database versions not stated): 1000 Genomes Project 30x 0.00016; 1000 Genomes Project 0.00020; gnomAD exomes 0.00028 and 0.00044; ESP Exome Variant Server 0.00039; gnomAD 0.00041 and 0.00044; TOPMed 0.00054; ExAC 0.00069.
gnomAD v4.1: 503 of 1,570,086 alleles (0.032%); highest among the groups gnomAD compares: Middle Eastern, 0.35%; 3 homozygotes.

Submissions (5):

Labcorp Genetics (formerly Invitae), Labcorp
Classification: Benign. Last evaluated: 2025-11-25. Review status: criteria provided, single submitter. Criteria: Invitae Variant Classification Sherloc (09022015). Collection method: clinical testing. Allele origin: germline.

Mayo Clinic Laboratories, Mayo Clinic
Classification: Likely benign. Last evaluated: 2025-10-03. Review status: criteria provided, single submitter. Criteria: ACMG Guidelines, 2015. Collection method: clinical testing. Allele origin: germline. Observed: 1 variant allele.
Comment: BP4, BP7

Blueprint Genetics
Classification: Likely benign. Last evaluated: 2024-10-25. Review status: criteria provided, single submitter. Criteria: ACMG Guidelines, 2015. Collection method: clinical testing. Allele origin: germline.

Eurofins Ntd Llc (ga)
Classification: Uncertain significance. Last evaluated: 2018-06-12. Review status: criteria provided, single submitter. Criteria: EGL ClinVar v180209 classification definitions. Collection method: clinical testing. Allele origin: germline. Observed: 5 variant alleles, 5 heterozygotes.

Laboratory for Molecular Medicine, Mass General Brigham Personalized Medicine
Classification: Likely benign. Last evaluated: 2015-03-25. Review status: criteria provided, single submitter. Criteria: LMM Criteria. Collection method: clinical testing. Allele origin: germline. Observed: 2 variant alleles.
Comment: p.Arg967Trp in exon 19 in TJP2: This variant is not expected to have clinical s ignificance because it has been identified in 0.3% (4/1478) of Latino chromosome s by the Exome Aggregation Consortium (ExAC; dbS NP rs200384355). In addition, the variant occurs in a region that is poorly cons erved across species and lies in an intron in several transcript isoforms of TJP 2.